The following is an entry in ClinVar:

ClinVar aggregate classification (germline): Uncertain significance. Review status: criteria provided, multiple submitters, no conflicts (2 of 4 stars). 3 submissions from 3 submitters: Uncertain significance (2). 1 of the submissions does not count toward it. Last evaluated 2024-12-26.

Conditions:
VPS13B-related disorder. Also called: VPS13B-related condition.
Cohen syndrome (COH1). Also called: Cutis verticis gyrata, retinitis pigmentosa, and sensorineural deafness; PEPPER SYNDROME. Identifiers: Orphanet 193, MedGen C0265223, MONDO:0008999, OMIM 216550.

Allele frequency attached by ClinVar (database versions not stated): gnomAD exomes below 0.00001.
gnomAD v4.1: 5 of 1,609,186 alleles (0.00031%); highest among the groups gnomAD compares: Non-Finnish European, 0.00043%; no homozygotes.

Submissions (3):

GeneDx
Classification: Uncertain significance. Last evaluated: 2024-12-26. Review status: criteria provided, single submitter. Criteria: GeneDx Variant Classification Process June 2021. Collection method: clinical testing. Allele origin: germline.
Comment: Not observed at significant frequency in large population cohorts (gnomAD); In silico analysis indicates that this missense variant does not alter protein structure/function; Has not been previously published as pathogenic or benign to our knowledge

Labcorp Genetics (formerly Invitae), Labcorp
Classification: Uncertain significance for Cohen syndrome. Last evaluated: 2022-07-12. Review status: criteria provided, single submitter. Criteria: Invitae Variant Classification Sherloc (09022015). Collection method: clinical testing. Allele origin: germline.
Comment: This sequence change replaces asparagine with serine at codon 1379 of the VPS13B protein (p.Asn1379Ser). The asparagine residue is weakly conserved and there is a small physicochemical difference between asparagine and serine. This variant is present in population databases (no rsID available, gnomAD 0.0009%). This variant has not been reported in the literature in individuals affected with VPS13B-related conditions. Algorithms developed to predict the effect of missense changes on protein structure and function output the following: SIFT: "Not Available"; PolyPhen-2: "Benign"; Align-GVGD: "Not Available". The serine amino acid residue is found in multiple mammalian species, which suggests that this missense change does not adversely affect protein function. In summary, the available evidence is currently insufficient to determine the role of this variant in disease. Therefore, it has been classified as a Variant of Uncertain Significance.

PreventionGenetics, part of Exact Sciences
Classification: Uncertain significance for VPS13B-related condition. Last evaluated: 2024-06-21. Review status: no assertion criteria provided. Collection method: clinical testing. Allele origin: germline. Not counted in ClinVar's aggregate classification.
Comment: The VPS13B c.4136A>G variant is predicted to result in the amino acid substitution p.Asn1379Ser. To our knowledge, this variant has not been reported in the literature. This variant is reported in 0.00088% of alleles in individuals of European (Non-Finnish) descent in gnomAD. At this time, the clinical significance of this variant is uncertain due to the absence of conclusive functional and genetic evidence.

NM_152564.5(VPS13B):c.4136A>G (p.Asn1379Ser)

Gene: VPS13B (vacuolar protein sorting 13 homolog B; plus strand). Cytogenetic location: 8q22.2.
Variant type: single nucleotide variant.
Coding change: c.4136A>G on transcript NM_152564.5 (MANE Select); coding-DNA position 4136, A replaced by G.
Protein change: p.Asn1379Ser; replaces asparagine 1379 with serine.
Molecular consequence: missense variant.
Genome position (GRCh38, 1-based): chr8:99,502,929, A>G. VCF-style: chr8-99502929-A-G. GRCh37 (hg19) VCF-style: chr8-100515157-A-G.
Other names: c.4136A>G (NM_017890.3); c.4136A>G, p.Asn1379Ser (NM_017890.5); short protein forms N1379S.
Identifiers: ClinVar variation 2070299 (VCV002070299.4), dbSNP rs1415035849, ClinGen allele CA371870100.